The following is an entry in ClinVar:

NM_000092.5(COL4A4):c.2183G>A (p.Gly728Glu)

Gene: COL4A4 (collagen type IV alpha 4 chain; minus strand). Cytogenetic location: 2q36.3.
Variant type: single nucleotide variant.
Coding change: c.2183G>A on transcript NM_000092.5 (MANE Select); coding-DNA position 2183, G replaced by A.
Protein change: p.Gly728Glu; replaces glycine 728 with glutamic acid.
Molecular consequence: missense variant.
Genome position (GRCh38, 1-based): chr2:227,059,605, C>T on the plus strand (G>A on the coding strand, the complement: COL4A4 is on the minus strand). VCF-style: chr2-227059605-C-T. GRCh37 (hg19) VCF-style: chr2-227924321-C-T.
Other names: p.(Gly728Glu); short protein forms G728E.
Identifiers: ClinVar variation 4884692 (VCV004884692.1).

ClinVar aggregate classification (germline): Likely pathogenic (1 of 4 stars; one submission).

Conditions:
Autosomal dominant Alport syndrome (ATS3A). Also called: Alport syndrome dominant type; Renal failure and sensorineural hearing loss; ALPORT SYNDROME 3A, AUTOSOMAL DOMINANT. Identifiers: Orphanet 63, Orphanet 88918, MedGen C5882663, MONDO:0007086, OMIM 104200.

Submission:

Centre de Génétique Humaine, Institut de Pathologie Et de Génétique
Classification: Likely pathogenic for Autosomal dominant Alport syndrome. Last evaluated: 2026-05-06. Review status: criteria provided, single submitter. Criteria: ACMG Guidelines, 2015. Collection method: clinical testing. Allele origin: germline. Inheritance: Autosomal dominant inheritance. Affected: yes. Observed: 1 variant allele, 1 heterozygote. Segregation with disease not observed.
Comment: This missense variant involves a highly conserved glycine located in a ‘Gly-X-Y’ motif in collagenous region, which is characteristic of the pathogenic variants identified in the COL4A4 gene (PM1,PP2). This variant is rare: absent in gnomAD v4.1.0 database (PM2). Another missense variant affecting the same residue described as LP in ClinVar: c.2182G>A, p.(Gly728Arg), (PM5). In silico analysis supports that this missense variant has a deleterious effect (PP3). Described as disease causing in a patient with AR AS (PP5)

Literature cited by the submitters: PubMed 22887978.